The following is an entry in ClinVar:

ClinVar aggregate classification (germline): Conflicting classifications of pathogenicity. Review status: criteria provided, conflicting classifications (1 of 4 stars). 4 submissions from 4 submitters: Uncertain significance (3); Likely benign (1). Last evaluated 2026-01-12.

Conditions:
Familial thoracic aortic aneurysm and aortic dissection (TAAD). Also called: Thoracic aortic aneurysms and dissections. Identifiers: Orphanet 91387, MedGen C4707243, MONDO:0019625.
Ehlers-Danlos syndrome, kyphoscoliotic type 1 (EDSKSCL1). Also called: PLOD1-Related Kyphoscoliotic Ehlers-Danlos Syndrome; Ehlers-Danlos syndrome, hydroxylysine-deficient; EHLERS-DANLOS SYNDROME, TYPE VIA; EHLERS-DANLOS SYNDROME, OCULAR-SCOLIOTIC TYPE. Identifiers: Orphanet 1900, MedGen C0268342, MONDO:0016002, OMIM 225400. Disease mechanism: loss of function.

Allele frequency attached by ClinVar (database versions not stated): gnomAD 0.00001.
gnomAD v4.1: 10 of 1,600,458 alleles (0.00062%); highest among the groups gnomAD compares: Non-Finnish European, 0.00085%; no homozygotes.

Submissions (4):

Women's Health and Genetics/Laboratory Corporation of America, LabCorp
Classification: Uncertain significance. Last evaluated: 2026-01-12. Review status: criteria provided, single submitter. Criteria: LabCorp Variant Classification Summary - May 2015. Collection method: clinical testing. Allele origin: germline.
Comment: Variant summary: PLOD1 c.1173C>G (p.Asn391Lys) results in a non-conservative amino acid change in the encoded protein sequence. Algorithms developed to predict the effect of missense changes on protein structure and function are either unavailable or do not agree on the potential impact of this missense change. The variant allele was found at a frequency of 1.8e-05 in 226472 control chromosomes. The available data on variant occurrences in the general population are insufficient to allow any conclusion about variant significance. To our knowledge, no occurrence of c.1173C>G in individuals affected with PLOD1-related conditions and no experimental evidence demonstrating its impact on protein function have been reported. ClinVar contains an entry for this variant (Variation ID: 952653). Based on the evidence outlined above, the variant was classified as uncertain significance.

Mayo Clinic Laboratories, Mayo Clinic
Classification: Uncertain significance. Last evaluated: 2025-12-17. Review status: criteria provided, single submitter. Criteria: ACMG Guidelines, 2015. Collection method: clinical testing. Allele origin: germline. Observed: 1 variant allele.
Comment: BP4

Ambry Genetics
Classification: Likely benign for Familial thoracic aortic aneurysm and aortic dissection. Last evaluated: 2024-03-19. Review status: criteria provided, single submitter. Criteria: Ambry Variant Classification Scheme 2023. Collection method: clinical testing. Allele origin: germline.

Labcorp Genetics (formerly Invitae), Labcorp
Classification: Uncertain significance for Ehlers-Danlos syndrome, kyphoscoliotic type 1. Last evaluated: 2021-08-26. Review status: criteria provided, single submitter. Criteria: Invitae Variant Classification Sherloc (09022015). Collection method: clinical testing. Allele origin: germline.
Comment: This sequence change replaces asparagine with lysine at codon 391 of the PLOD1 protein (p.Asn391Lys). The asparagine residue is weakly conserved and there is a moderate physicochemical difference between asparagine and lysine. This variant is present in population databases (rs764179880, ExAC 0.01%). This variant has not been reported in the literature in individuals affected with PLOD1-related conditions. Algorithms developed to predict the effect of missense changes on protein structure and function output the following: SIFT: "Tolerated"; PolyPhen-2: "Benign"; Align-GVGD: "Class C0". The lysine amino acid residue is found in multiple mammalian species, which suggests that this missense change does not adversely affect protein function. In summary, the available evidence is currently insufficient to determine the role of this variant in disease. Therefore, it has been classified as a Variant of Uncertain Significance.

NM_000302.4(PLOD1):c.1173C>G (p.Asn391Lys)

Gene: PLOD1 (procollagen-lysine,2-oxoglutarate 5-dioxygenase 1; plus strand). Cytogenetic location: 1p36.22.
Variant type: single nucleotide variant.
Coding change: c.1173C>G on transcript NM_000302.4 (MANE Select); coding-DNA position 1173, C replaced by G.
Protein change: p.Asn391Lys; replaces asparagine 391 with lysine.
Molecular consequence: missense variant.
Genome position (GRCh38, 1-based): chr1:11,963,607, C>G. VCF-style: chr1-11963607-C-G. GRCh37 (hg19) VCF-style: chr1-12023664-C-G.
Other names: p.Asn391Lys; c.1314C>G, p.Asn438Lys (NM_001316320.2); short protein forms N391K, N438K.
Identifiers: ClinVar variation 952653 (VCV000952653.10), dbSNP rs764179880, ClinGen allele CA598307.